The following is an entry in ClinVar:

ClinVar aggregate classification (germline): Pathogenic (1 of 4 stars; one submission).

Conditions:
Granulomatous disease, chronic, X-linked. Also called: CYTOCHROME b-NEGATIVE GRANULOMATOUS DISEASE, CHRONIC, X-LINKED; GRANULOMATOUS DISEASE, CHRONIC, X-LINKED, SOMATIC MOSAIC. Identifiers: Orphanet 379, MedGen C1844376, MONDO:0010600, OMIM 306400.

Submissions (2):

Labcorp Genetics (formerly Invitae), Labcorp
Classification: Pathogenic for Granulomatous disease, chronic, X-linked. Last evaluated: 2019-06-05. Review status: criteria provided, single submitter. Criteria: Invitae Variant Classification Sherloc (09022015). Collection method: clinical testing. Allele origin: germline.
Comment: This sequence change creates a premature translational stop signal (p.Cys329*) in the CYBB gene. It is expected to result in an absent or disrupted protein product. This variant is not present in population databases (ExAC no frequency). This variant has not been reported in the literature in individuals with CYBB-related conditions. Loss-of-function variants in CYBB are known to be pathogenic (PMID: 9585602, 20729109). For these reasons, this variant has been classified as Pathogenic.

Dr. Peter K. Rogan Lab, Western University
No classification provided (evidence only). Condition: Nonpapillary renal cell carcinoma. Review status: no classification provided. Collection method: in vitro. Allele origin: not applicable. Functional consequence: retained intron. Not counted in ClinVar's aggregate classification.

Literature cited by the submitters: PubMed 9585602 (cited by Labcorp Genetics (formerly Invitae), Labcorp); PubMed 20729109 (cited by Labcorp Genetics (formerly Invitae), Labcorp).

NM_000397.4(CYBB):c.987C>A (p.Cys329Ter)

Gene: CYBB (cytochrome b-245 beta chain; plus strand). Cytogenetic location: Xp11.4.
Variant type: single nucleotide variant.
Coding change: c.987C>A on transcript NM_000397.4 (MANE Select); coding-DNA position 987, C replaced by A.
Protein change: p.Cys329Ter; replaces cysteine 329 with a stop codon.
Molecular consequence: nonsense.
Genome position (GRCh38, 1-based): chrX:37,803,966, C>A. VCF-style: chrX-37803966-C-A. GRCh37 (hg19) VCF-style: chrX-37663219-C-A.
Other names: short protein forms C329*.
Identifiers: ClinVar variation 944826 (VCV000944826.9), dbSNP rs1929499524, ClinGen allele CA412977216.